The following is an entry in ClinVar:

NM_001267550.2(TTN):c.19441C>A (p.Pro6481Thr)

Gene: TTN (titin; minus strand). Cytogenetic location: 2q31.2.
Variant type: single nucleotide variant.
Coding change: c.19441C>A on transcript NM_001267550.2 (MANE Select); coding-DNA position 19441, C replaced by A.
Protein change: p.Pro6481Thr; replaces proline 6481 with threonine.
Molecular consequence: missense variant. On other transcripts: intron variant (3).
Genome position (GRCh38, 1-based): chr2:178,728,383, G>T on the plus strand (C>A on the coding strand, the complement: TTN is on the minus strand). VCF-style: chr2-178728383-G-T. GRCh37 (hg19) VCF-style: chr2-179593110-G-T.
Other names: c.18490C>A, p.Pro6164Thr (NM_001256850.1); c.15709C>A, p.Pro5237Thr (NM_133378.4); c.13282+9699C>A (NM_003319.4); c.13858+9699C>A (NM_133437.4); c.13657+9699C>A (NM_133432.3); short protein forms P5237T, P6164T, P6481T.
Identifiers: ClinVar variation 2437905 (VCV002437905.11), dbSNP rs73038342, ClinGen allele CA2001395.

ClinVar aggregate classification (germline): Conflicting classifications of pathogenicity. Review status: criteria provided, conflicting classifications (1 of 4 stars). 3 submissions from 3 submitters: Uncertain significance (1); Likely benign (2). Last evaluated 2025-09-01.

Allele frequency attached by ClinVar (database versions not stated): gnomAD 0.00005; gnomAD exomes 0.00009; ExAC 0.00012.
gnomAD v4.1: 138 of 1,600,506 alleles (0.0086%); highest among the groups gnomAD compares: South Asian, 0.11%; 3 homozygotes.

Submissions (3):

CeGaT Center for Human Genetics Tuebingen
Classification: Likely benign. Last evaluated: 2025-09-01. Review status: criteria provided, single submitter. Criteria: CeGaT Center For Human Genetics Tuebingen Variant Classification Criteria Version 2. Collection method: clinical testing. Allele origin: germline. Affected: yes. Observed: 1 variant allele.
Comment: TTN: BS2

Revvity Omics, Revvity
Classification: Uncertain significance. Last evaluated: 2023-07-20. Review status: criteria provided, single submitter. Criteria: ACMG Guidelines, 2015. Collection method: clinical testing. Allele origin: germline.

Blueprint Genetics
Classification: Likely benign. Last evaluated: 2019-08-30. Review status: criteria provided, single submitter. Criteria: ACMG Guidelines, 2015. Collection method: clinical testing. Allele origin: germline.